The following is an entry in ClinVar:

NM_006514.4(SCN10A):c.1868-9A>G

Gene: SCN10A (sodium voltage-gated channel alpha subunit 10; minus strand). Cytogenetic location: 3p22.2.
Variant type: single nucleotide variant.
Coding change: c.1868-9A>G on transcript NM_006514.4 (MANE Select); 9 bases into the intron before coding-DNA position 1868, A replaced by G.
Molecular consequence: intron variant.
Genome position (GRCh38, 1-based): chr3:38,742,538, T>C on the plus strand (A>G on the coding strand, the complement: SCN10A is on the minus strand). VCF-style: chr3-38742538-T-C. GRCh37 (hg19) VCF-style: chr3-38784029-T-C.
Other names: p.?; c.1868-9A>G (NM_006514.3, NM_001293306.2); c.1574-9A>G (NM_001293307.2).
Identifiers: ClinVar variation 259993 (VCV000259993.19), dbSNP rs6599250, ClinGen allele CA2320704.

ClinVar aggregate classification (germline): Benign. Review status: criteria provided, multiple submitters, no conflicts (2 of 4 stars). 10 submissions from 10 submitters: Benign (8). 2 of the submissions do not count toward it. Last evaluated 2026-02-04.

Conditions:
Brugada syndrome. Also called: Sudden unexplained nocturnal death syndrome; Sudden Unexplained Death Syndrome; Sudden Unexplained Nocturnal Death Syndrome (SUNDS); Sudden unexpected nocturnal death syndrome. Identifiers: Orphanet 130, MedGen C1142166, MONDO:0015263.
Episodic pain syndrome, familial, 2 (FEPS2). Identifiers: Orphanet 306577, MedGen C3809893, MONDO:0014246, OMIM 615551.

Allele frequency attached by ClinVar (database versions not stated): gnomAD exomes 0.61283 and 0.64929; ExAC 0.65368; ESP Exome Variant Server 0.69752; gnomAD 0.69772 and 0.69912; TOPMed 0.71506; 1000 Genomes Project 0.75779; 1000 Genomes Project 30x 0.76187.
gnomAD v4.1: 1,000,157 of 1,609,664 alleles (62%); highest among the groups gnomAD compares: African/African-American, 91%; 316,134 homozygotes.

Submissions (10):

Labcorp Genetics (formerly Invitae), Labcorp
Classification: Benign for Brugada syndrome. Last evaluated: 2026-02-04. Review status: criteria provided, single submitter. Criteria: Invitae Variant Classification Sherloc (09022015). Collection method: clinical testing. Allele origin: germline.

Blueprint Genetics
Classification: Benign. Last evaluated: 2024-11-26. Review status: criteria provided, single submitter. Criteria: ACMG Guidelines, 2015. Collection method: clinical testing. Allele origin: germline.

Women's Health and Genetics/Laboratory Corporation of America, LabCorp
Classification: Benign. Last evaluated: 2023-04-04. Review status: criteria provided, single submitter. Criteria: LabCorp Variant Classification Summary - May 2015. Collection method: clinical testing. Allele origin: germline.

Genome-Nilou Lab
Classification: Benign for Episodic pain syndrome, familial, 2. Last evaluated: 2021-07-15. Review status: criteria provided, single submitter. Criteria: ACMG Guidelines, 2015. Collection method: clinical testing. Allele origin: germline. Affected: no.

Mayo Clinic Laboratories, Mayo Clinic
Classification: Benign. Last evaluated: 2017-10-04. Review status: criteria provided, single submitter. Criteria: ACMG Guidelines, 2015. Collection method: clinical testing. Allele origin: germline. Observed: 1,212 variant alleles.

GeneDx
Classification: Benign. Last evaluated: 2016-09-06. Review status: criteria provided, single submitter. Criteria: GeneDx Variant Classification (06012015). Collection method: clinical testing. Allele origin: germline. Affected: yes.
Comment: This variant is considered likely benign or benign based on one or more of the following criteria: it is a conservative change, it occurs at a poorly conserved position in the protein, it is predicted to be benign by multiple in silico algorithms, and/or has population frequency not consistent with disease.

Breakthrough Genomics
Classification: Benign. Review status: criteria provided, single submitter. Criteria: ACMG Guidelines, 2015. Collection method: not provided. Allele origin: germline. Inheritance: Autosomal dominant inheritance. Affected: yes.

PreventionGenetics, part of Exact Sciences
Classification: Benign. Review status: criteria provided, single submitter. Criteria: ACMG Guidelines, 2015. Collection method: clinical testing. Allele origin: germline.

Clinical Genetics, Academic Medical Center
Classification: Benign. Review status: no assertion criteria provided. Collection method: clinical testing. Allele origin: germline. Affected: yes. Study: VKGL Data-share Consensus. Not counted in ClinVar's aggregate classification.

Joint Genome Diagnostic Labs from Nijmegen and Maastricht, Radboudumc and MUMC+
Classification: Benign. Review status: no assertion criteria provided. Collection method: clinical testing. Allele origin: germline. Affected: yes. Study: VKGL Data-share Consensus. Not counted in ClinVar's aggregate classification.